The following is an entry in ClinVar:

NM_004168.4(SDHA):c.882G>T (p.Gln294His)

Gene: SDHA (succinate dehydrogenase complex flavoprotein subunit A; plus strand). Cytogenetic location: 5p15.33.
Variant type: single nucleotide variant.
Coding change: c.882G>T on transcript NM_004168.4 (MANE Select); coding-DNA position 882, G replaced by T.
Protein change: p.Gln294His; replaces glutamine 294 with histidine.
Molecular consequence: missense variant.
Genome position (GRCh38, 1-based): chr5:230,987, G>T. VCF-style: chr5-230987-G-T. GRCh37 (hg19) VCF-style: chr5-231102-G-T.
Other names: c.882G>T, p.Gln294His (NM_001330758.2); c.882G>T (NM_004168.2); c.738G>T, p.Gln246His (NM_001294332.2); short protein forms Q246H, Q294H.
Identifiers: ClinVar variation 1406657 (VCV001406657.14), dbSNP rs371512265, ClinGen allele CA359012035.

ClinVar aggregate classification (germline): Uncertain significance. Review status: criteria provided, multiple submitters, no conflicts (2 of 4 stars). 2 submissions from 2 submitters: Uncertain significance (2). Last evaluated 2026-06-16.

Conditions:
Hereditary cancer-predisposing syndrome. Also called: Hereditary Cancer Syndrome; Neoplastic Syndromes, Hereditary; Hereditary neoplastic syndrome; Tumor predisposition. Identifiers: Orphanet 140162, MedGen C0027672, MeSH D009386, MONDO:0015356.
Mitochondrial complex II deficiency, nuclear type 1. Also called: SUCCINATE CoQ REDUCTASE DEFICIENCY. Identifiers: Orphanet 3208, MedGen C5700310, MONDO:0100294, OMIM 252011.
Pheochromocytoma/paraganglioma syndrome 5. Also called: Paragangliomas 5; SDHA-Related Hereditary Paraganglioma-Pheochromocytoma Syndrome. Identifiers: Orphanet 29072, MedGen C3279992, MONDO:0013602, OMIM 614165.

Submissions (2):

Ambry Genetics
Classification: Uncertain significance for Hereditary cancer-predisposing syndrome. Last evaluated: 2026-06-16. Review status: criteria provided, single submitter. Criteria: Ambry Variant Classification Scheme 2023. Collection method: clinical testing. Allele origin: germline.
Comment: The p.Q294H variant (also known as c.882G>T), located in coding exon 7 of the SDHA gene, results from a G to T substitution at nucleotide position 882. The glutamine at codon 294 is replaced by histidine, an amino acid with highly similar properties. This amino acid position is highly conserved in available vertebrate species. In addition, this alteration is predicted to be deleterious by in silico analysis. Based on the available evidence, the clinical significance of this variant remains unclear.

Labcorp Genetics (formerly Invitae), Labcorp
Classification: Uncertain significance for Pheochromocytoma/paraganglioma syndrome 5; Mitochondrial complex II deficiency, nuclear type 1. Last evaluated: 2023-10-10. Review status: criteria provided, single submitter. Criteria: Invitae Variant Classification Sherloc (09022015). Collection method: clinical testing. Allele origin: germline.
Comment: This sequence change replaces glutamine, which is neutral and polar, with histidine, which is basic and polar, at codon 294 of the SDHA protein (p.Gln294His). This variant is not present in population databases (gnomAD no frequency). This variant has not been reported in the literature in individuals affected with SDHA-related conditions. ClinVar contains an entry for this variant (Variation ID: 1406657). Advanced modeling of protein sequence and biophysical properties (such as structural, functional, and spatial information, amino acid conservation, physicochemical variation, residue mobility, and thermodynamic stability) has been performed at Invitae for this missense variant, however the output from this modeling did not meet the statistical confidence thresholds required to predict the impact of this variant on SDHA protein function. In summary, the available evidence is currently insufficient to determine the role of this variant in disease. Therefore, it has been classified as a Variant of Uncertain Significance.